The following is an entry in ClinVar:

NM_000179.3(MSH6):c.3467T>G (p.Met1156Arg)

Gene: MSH6 (mutS homolog 6; plus strand). Cytogenetic location: 2p16.3.
Variant type: single nucleotide variant.
Coding change: c.3467T>G on transcript NM_000179.3 (MANE Select); coding-DNA position 3467, T replaced by G.
Protein change: p.Met1156Arg; replaces methionine 1156 with arginine.
Molecular consequence: missense variant. On other transcripts: non-coding transcript variant (4).
Genome position (GRCh38, 1-based): chr2:47,804,938, T>G. VCF-style: chr2-47804938-T-G. GRCh37 (hg19) VCF-style: chr2-48032077-T-G.
Other names: c.3077T>G, p.Met1026Arg (NM_001281492.2); c.2561T>G, p.Met854Arg (NM_001281493.2, NM_001281494.2, NM_001406829.1 and 6 more transcripts); c.3563T>G, p.Met1188Arg (NM_001406795.1, NM_001406802.1); c.3467T>G, p.Met1156Arg (NM_001406796.1, NM_001406800.1, NM_001406808.1 and 1 more transcripts); c.3170T>G, p.Met1057Arg (NM_001406797.1, NM_001406801.1, NM_001406805.1 and 10 more transcripts); c.3293T>G, p.Met1098Arg (NM_001406798.1); c.2942T>G, p.Met981Arg (NM_001406799.1, NM_001406806.1, NM_001406807.1); c.2603T>G, p.Met868Arg (NM_001406803.1); and 7 more; short protein forms M1158R, M471R, M1057R, M1100R, M1130R, M1156R, M634R, M83R.
Identifiers: ClinVar variation 5024933 (VCV005024933.1).
Genomic context (GRCh38, chr2:47,804,938, plus strand): 5'-TCATAAAAGACCTTTTCCTCCCTCATTCACAGGCTGGCTTATTAGCTGTAATGGCCCAGA[T>G]GGGTTGTTACGTCCCTGCTGAAGTGTGCAGGCTCACACCAATTGATAGAGTGTTTACTAG-3'
Protein context (NP_000170.1, residues 1146-1166): QAGLLAVMAQ[Met1156Arg]GCYVPAEVCR

ClinVar aggregate classification (germline): Uncertain significance (1 of 4 stars; one submission).

Conditions:
Hereditary cancer-predisposing syndrome. Also called: Neoplastic Syndromes, Hereditary; Tumor predisposition; Hereditary neoplastic syndrome; Hereditary Cancer Syndrome. Identifiers: Orphanet 140162, MedGen C0027672, MeSH D009386, MONDO:0015356.

Submission:

Ambry Genetics
Classification: Uncertain significance for Hereditary cancer-predisposing syndrome. Last evaluated: 2026-08-22. Review status: criteria provided, single submitter. Criteria: Ambry Variant Classification Scheme 2023. Collection method: clinical testing. Allele origin: germline.
Comment: The p.M1156R variant (also known as c.3467T>G), located in coding exon 6 of the MSH6 gene, results from a T to G substitution at nucleotide position 3467. The methionine at codon 1156 is replaced by arginine, an amino acid with similar properties. This amino acid position is conserved. In addition, this alteration is predicted to be deleterious by in silico analysis. Based on the available evidence, the clinical significance of this variant remains unclear.